The following is an entry in ClinVar:

ClinVar aggregate classification (germline): Uncertain significance. Review status: criteria provided, multiple submitters, no conflicts (2 of 4 stars). 2 submissions from 2 submitters: Uncertain significance (2). Last evaluated 2025-11-05.

Conditions:
Inborn genetic diseases. Identifiers: MedGen C0950123, MeSH D030342.

Allele frequency attached by ClinVar (database versions not stated): gnomAD 0.00006.
gnomAD v4.1: 228 of 947,838 alleles (0.024%); highest among the groups gnomAD compares: Non-Finnish European, 0.028%; 1 homozygote.

Submissions (2):

Ambry Genetics
Classification: Uncertain significance for Inborn genetic diseases. Last evaluated: 2025-11-05. Review status: criteria provided, single submitter. Criteria: Ambry Variant Classification Scheme 2023. Collection method: clinical testing. Allele origin: germline.
Comment: The c.262A>G (p.S88G) alteration is located in exon 1 (coding exon 1) of the BPTF gene. This alteration results from a A to G substitution at nucleotide position 262, causing the serine (S) at amino acid position 88 to be replaced by a glycine (G). Based on data from gnomAD, the G allele has an overall frequency of 0.004% (1/25462) total alleles studied. The highest observed frequency was 0.008% (1/13212) of European (non-Finnish) alleles. Based on insufficient or conflicting evidence, the clinical significance of this alteration remains unclear.

Labcorp Genetics (formerly Invitae), Labcorp
Classification: Uncertain significance. Last evaluated: 2022-09-09. Review status: criteria provided, single submitter. Criteria: Invitae Variant Classification Sherloc (09022015). Collection method: clinical testing. Allele origin: germline.
Comment: In summary, the available evidence is currently insufficient to determine the role of this variant in disease. Therefore, it has been classified as a Variant of Uncertain Significance. Algorithms developed to predict the effect of missense changes on protein structure and function are either unavailable or do not agree on the potential impact of this missense change (SIFT: "Tolerated"; PolyPhen-2: "Not Available"; Align-GVGD: "Class C0"). This variant has not been reported in the literature in individuals affected with BPTF-related conditions. This variant is present in population databases (no rsID available, gnomAD 0.008%). This sequence change replaces serine, which is neutral and polar, with glycine, which is neutral and non-polar, at codon 88 of the BPTF protein (p.Ser88Gly).

NM_182641.4(BPTF):c.262A>G (p.Ser88Gly)

Gene: BPTF (bromodomain PHD finger transcription factor; plus strand). Cytogenetic location: 17q24.2.
Variant type: single nucleotide variant.
Coding change: c.262A>G on transcript NM_182641.4 (MANE Select); coding-DNA position 262, A replaced by G.
Protein change: p.Ser88Gly; replaces serine 88 with glycine.
Molecular consequence: missense variant.
Genome position (GRCh38, 1-based): chr17:67,825,986, A>G. VCF-style: chr17-67825986-A-G. GRCh37 (hg19) VCF-style: chr17-65822102-A-G.
Other names: c.262A>G, p.Ser88Gly (NM_004459.7); short protein forms S88G.
Identifiers: ClinVar variation 1972442 (VCV001972442.7), dbSNP rs1348330762, ClinGen allele CA400715595.